The following is an entry in ClinVar:

NM_004621.6(TRPC6):c.1611C>T (p.Phe537=)

Gene: TRPC6 (transient receptor potential cation channel subfamily C member 6; minus strand). Cytogenetic location: 11q22.1.
Variant type: single nucleotide variant.
Coding change: c.1611C>T on transcript NM_004621.6 (MANE Select); coding-DNA position 1611, C replaced by T.
Protein change: p.Phe537=; no amino-acid change (phenylalanine 537 retained).
Molecular consequence: synonymous variant.
Genome position (GRCh38, 1-based): chr11:101,476,434, G>A on the plus strand (C>T on the coding strand, the complement: TRPC6 is on the minus strand). VCF-style: chr11-101476434-G-A. GRCh37 (hg19) VCF-style: chr11-101347165-G-A.
Identifiers: ClinVar variation 988134 (VCV000988134.11), dbSNP rs150183033, ClinGen allele CA6244296.

ClinVar aggregate classification (germline): Likely benign. Review status: criteria provided, multiple submitters, no conflicts (2 of 4 stars). 3 submissions from 3 submitters: Likely benign (2). 1 of the submissions does not count toward it. Last evaluated 2024-08-28.

Conditions:
Nephrotic syndrome. Identifiers: MedGen C0027726, MONDO:0005377, HP:0000100.

Allele frequency attached by ClinVar (database versions not stated): ExAC 0.00010; gnomAD exomes 0.00010 and 0.00016; gnomAD 0.00012 and 0.00013; 1000 Genomes Project 30x 0.00016; TOPMed 0.00017; 1000 Genomes Project 0.00020; ESP Exome Variant Server 0.00023.
gnomAD v4.1: 260 of 1,614,020 alleles (0.016%); highest among the groups gnomAD compares: Non-Finnish European, 0.019%; 1 homozygote.

Submissions (3):

Labcorp Genetics (formerly Invitae), Labcorp
Classification: Likely benign. Last evaluated: 2024-08-28. Review status: criteria provided, single submitter. Criteria: Invitae Variant Classification Sherloc (09022015). Collection method: clinical testing. Allele origin: germline.

Blueprint Genetics
Classification: Likely benign. Last evaluated: 2024-04-25. Review status: criteria provided, single submitter. Criteria: ACMG Guidelines, 2015. Collection method: clinical testing. Allele origin: germline.

Sydney Genome Diagnostics, Children's Hospital Westmead
Classification: Uncertain significance for Nephrotic syndrome. Last evaluated: 2018-10-24. Review status: no assertion criteria provided. Collection method: clinical testing. Allele origin: unknown. Affected: yes. Observed: 1 variant allele, 1 heterozygote. Not counted in ClinVar's aggregate classification.
Comment: To our knowledge, this variant has not been previously reported in the literature to be associated with disease. It has has been listed in Exome Aggregation Consortium (ExAC) with a very low allelic frequency (12/121358 alleles). It is also unclear if this synonymous variant will affect splicing or is a non-pathogenic.